The following is an entry in ClinVar:

ClinVar aggregate classification (germline): Uncertain significance (1 of 4 stars; one submission).

Conditions:
Nemaline myopathy 2 (NEM2). Also called: Nemaline myopathy 2, autosomal recessive. Identifiers: MedGen C1850569, MONDO:0009725, OMIM 256030.

Submission:

Labcorp Genetics (formerly Invitae), Labcorp
Classification: Uncertain significance for Nemaline myopathy 2. Last evaluated: 2020-04-13. Review status: criteria provided, single submitter. Criteria: Invitae Variant Classification Sherloc (09022015). Collection method: clinical testing. Allele origin: germline.
Comment: In summary, the available evidence is currently insufficient to determine the role of this variant in disease. Therefore, it has been classified as a Variant of Uncertain Significance. Algorithms developed to predict the effect of missense changes on protein structure and function are either unavailable or do not agree on the potential impact of this missense change (SIFT: "Deleterious"; PolyPhen-2: "Not Available"; Align-GVGD: "Class C0"). This variant has not been reported in the literature in individuals with NEB-related conditions. This variant is not present in population databases (ExAC no frequency). This sequence change replaces threonine with serine at codon 3186 of the NEB protein (p.Thr3186Ser). The threonine residue is weakly conserved and there is a small physicochemical difference between threonine and serine.

NM_001164508.2(NEB):c.9556A>T (p.Thr3186Ser)

Gene: NEB (nebulin; minus strand). Cytogenetic location: 2q23.3.
Variant type: single nucleotide variant.
Coding change: c.9556A>T on transcript NM_001164508.2 (MANE Select); coding-DNA position 9556, A replaced by T.
Protein change: p.Thr3186Ser; replaces threonine 3186 with serine.
Molecular consequence: missense variant. On other transcripts: intron variant (1).
Genome position (GRCh38, 1-based): chr2:151,631,205, T>A on the plus strand (A>T on the coding strand, the complement: NEB is on the minus strand). VCF-style: chr2-151631205-T-A. GRCh37 (hg19) VCF-style: chr2-152487719-T-A.
Other names: c.9556A>T, p.Thr3186Ser (NM_001164507.2, NM_001271208.2); c.8854-27A>T (NM_004543.5); short protein forms T3186S.
Identifiers: ClinVar variation 1058978 (VCV001058978.9), dbSNP rs2154073125, ClinGen allele CA348799968.
Genomic context (GRCh38, chr2:151,631,205, plus strand): 5'-TATTCATGTTGAGAGCATTGTTCTTGGCCAGCACCTGCTCTAGAGAATCAGTCACACTGG[T>A]AAATTTCAGCTTGTCCGGAGGCTGGCGGTAGATGTTATCACTCAGTATTTCGGTAGCTCT-3'
Protein context (NP_001157980.2, residues 3176-3196): YRQPPDKLKF[Thr3186Ser]SVTDSLEQVL